The following is an entry in ClinVar:

NM_000059.4(BRCA2):c.3021_3022dup (p.Ser1008fs)

Gene: BRCA2 (BRCA2 DNA repair associated; plus strand). Cytogenetic location: 13q13.1.
Variant type: Duplication.
Coding change: c.3021_3022dup on transcript NM_000059.4 (MANE Select); coding-DNA positions 3021 to 3022, 2 bases duplicated (TA; older notation c.3021_3022dupTA).
Protein change: p.Ser1008fs; shifts the reading frame from serine 1008.
Molecular consequence: frameshift variant. On other transcripts: non-coding transcript variant (1), intron variant (2).
Genome position (GRCh38, 1-based): chr13:32,337,376-32,337,377, TA duplicated. VCF-style (leftmost placement, unchanged base first): chr13-32337375-G-GTA. GRCh37 (hg19) VCF-style: chr13-32911512-G-GTA.
Other names: c.3021_3022dup, p.Ser1008fs (NM_001406719.1, NM_001406720.1); c.1909+3989_1909+3990dup (NM_001406721.1); c.424+6346_424+6347dup (NM_001406722.1); c.3021_3022dupTA (NM_000059.3); short protein forms S1008fs.
Identifiers: ClinVar variation 3261649 (VCV003261649.1).

ClinVar aggregate classification (germline): Pathogenic (1 of 4 stars; one submission).

Conditions:
Hereditary cancer-predisposing syndrome. Also called: Hereditary Cancer Syndrome; Tumor predisposition; Hereditary neoplastic syndrome; Neoplastic Syndromes, Hereditary. Identifiers: Orphanet 140162, MedGen C0027672, MeSH D009386, MONDO:0015356.

Submission:

Ambry Genetics
Classification: Pathogenic for Hereditary cancer-predisposing syndrome. Last evaluated: 2024-06-12. Review status: criteria provided, single submitter. Criteria: Ambry Variant Classification Scheme 2023. Collection method: clinical testing. Allele origin: germline.
Comment: The c.3021_3022dupTA pathogenic mutation, located in coding exon 10 of the BRCA2 gene, results from a duplication of TA at nucleotide position 3021, causing a translational frameshift with a predicted alternate stop codon (p.S1008Ifs*36). This variant is considered to be rare based on population cohorts in the Genome Aggregation Database (gnomAD). This alteration is expected to result in loss of function by premature protein truncation or nonsense-mediated mRNA decay. As such, this alteration is interpreted as a disease-causing mutation.